The following is an entry in ClinVar:

ClinVar aggregate classification (germline): Uncertain significance (1 of 4 stars; one submission).

gnomAD v4.1: 1 of 1,614,192 alleles (0.000062%); highest among the groups gnomAD compares: Non-Finnish European, 0.000085%; no homozygotes.

Submission:

Labcorp Genetics (formerly Invitae), Labcorp
Classification: Uncertain significance. Last evaluated: 2024-02-09. Review status: criteria provided, single submitter. Criteria: Invitae Variant Classification Sherloc (09022015). Collection method: clinical testing. Allele origin: germline.
Comment: This sequence change replaces leucine, which is neutral and non-polar, with proline, which is neutral and non-polar, at codon 534 of the POLE protein (p.Leu534Pro). This variant is present in population databases (no rsID available, gnomAD 0.0009%). This variant has not been reported in the literature in individuals affected with POLE-related conditions. Advanced modeling of protein sequence and biophysical properties (such as structural, functional, and spatial information, amino acid conservation, physicochemical variation, residue mobility, and thermodynamic stability) performed at Invitae indicates that this missense variant is expected to disrupt POLE protein function with a positive predictive value of 80%. In summary, the available evidence is currently insufficient to determine the role of this variant in disease. Therefore, it has been classified as a Variant of Uncertain Significance.

NM_006231.4(POLE):c.1601T>C (p.Leu534Pro)

Gene: POLE (DNA polymerase epsilon, catalytic subunit; minus strand). Cytogenetic location: 12q24.33.
Variant type: single nucleotide variant.
Coding change: c.1601T>C on transcript NM_006231.4 (MANE Select); coding-DNA position 1601, T replaced by C.
Protein change: p.Leu534Pro; replaces leucine 534 with proline.
Molecular consequence: missense variant.
Genome position (GRCh38, 1-based): chr12:132,672,712, A>G on the plus strand (T>C on the coding strand, the complement: POLE is on the minus strand). VCF-style: chr12-132672712-A-G. GRCh37 (hg19) VCF-style: chr12-133249298-A-G.
Other names: short protein forms L534P.
Identifiers: ClinVar variation 3639821 (VCV003639821.2).
Genomic context (GRCh38, chr12:132,672,712, plus strand): 5'-CTGCGGAAAACCCCAGACTCGAGGGCCTCCACGTGGCCCCCGACGTAGGTCTCAGAGTCC[A>G]GCACGTGTCCGTCGTCCGTCAGCTTATTGAACTCCTGCTCTTGCTTGTTGGGGAAGATGA-3'
Protein context (NP_006222.2, residues 524-544): FNKLTDDGHV[Leu534Pro]DSETYVGGHV